The following is an entry in ClinVar:

NM_017654.4(SAMD9):c.473A>C (p.Asp158Ala)

Gene: SAMD9 (sterile alpha motif domain containing 9; minus strand). Cytogenetic location: 7q21.2.
Variant type: single nucleotide variant.
Coding change: c.473A>C on transcript NM_017654.4 (MANE Select); coding-DNA position 473, A replaced by C.
Protein change: p.Asp158Ala; replaces aspartic acid 158 with alanine.
Molecular consequence: missense variant.
Genome position (GRCh38, 1-based): chr7:93,105,625, T>G on the plus strand (A>C on the coding strand, the complement: SAMD9 is on the minus strand). VCF-style: chr7-93105625-T-G. GRCh37 (hg19) VCF-style: chr7-92734938-T-G.
Other names: c.473A>C, p.Asp158Ala (NM_001193307.2); short protein forms D158A.
Identifiers: ClinVar variation 3253058 (VCV003253058.1), dbSNP rs2535363009.

ClinVar aggregate classification (germline): Uncertain significance (1 of 4 stars; one submission).

Submission:

GeneDx
Classification: Uncertain significance. Last evaluated: 2023-10-05. Review status: criteria provided, single submitter. Criteria: GeneDx Variant Classification Process June 2021. Collection method: clinical testing. Allele origin: germline. Affected: yes.
Comment: Not observed at significant frequency in large population cohorts (gnomAD); In silico analysis supports that this missense variant does not alter protein structure/function; Has not been previously published as pathogenic or benign to our knowledge; This variant is associated with the following publications: (PMID: 37393344)